The following is an entry in ClinVar:

ClinVar aggregate classification (germline): Pathogenic. Review status: criteria provided, multiple submitters, no conflicts (2 of 4 stars). 3 submissions from 3 submitters: Pathogenic (2). 1 of the submissions does not count toward it. Last evaluated 2022-11-30.

Conditions:
Inborn genetic diseases. Identifiers: MedGen C0950123, MeSH D030342.
AHDC1-related intellectual disability - obstructive sleep apnea - mild dysmorphism syndrome. Also called: Xia-Gibbs syndrome. Identifiers: Orphanet 412069, MedGen C4014419, MONDO:0014358, OMIM 615829.

Submissions (3):

Ambry Genetics
Classification: Pathogenic for Inborn genetic diseases. Last evaluated: 2022-11-30. Review status: criteria provided, single submitter. Criteria: Ambry Variant Classification Scheme 2023. Collection method: clinical testing. Allele origin: germline.
Comment: The c.2188G>T (p.E730*) alteration, located in exon 6 (coding exon 1) of the AHDC1 gene, consists of a G to T substitution at nucleotide position 2188. This changes the amino acid from a glutamic acid (E) to a stop codon at amino acid position 730. This alteration is expected to result in loss of function by premature protein truncation or nonsense-mediated mRNA decay. This variant was not reported in population-based cohorts in the Genome Aggregation Database (gnomAD). This variant has been reported de novo in multiple individuals with features consistent with Xia-Gibbs syndrome or an unspecified developmental disorder (Deciphering Developmental Disorders, 2017; Khayat, 2021; Romano, 2022). Based on the available evidence, this alteration is classified as pathogenic.

Center for Human Genetics and Genomic Medicine, Uniklinik Rwth Aachen
Classification: Pathogenic for AHDC1-related intellectual disability - obstructive sleep apnea - mild dysmorphism syndrome. Last evaluated: 2020-10-21. Review status: criteria provided, single submitter. Criteria: ACMG Guidelines, 2015. Collection method: clinical testing. Allele origin: de novo. Inheritance: Autosomal dominant inheritance. Affected: yes. Observed: 1 heterozygote.

Human Genome Sequencing Center Clinical Lab, Baylor College of Medicine
Classification: Pathogenic for AHDC1-related intellectual disability - obstructive sleep apnea - mild dysmorphism syndrome. Review status: no assertion criteria provided. Collection method: clinical testing. Allele origin: de novo. Affected: yes. Observed: 2 variant alleles. Not counted in ClinVar's aggregate classification.

Literature cited by the submitters: PubMed 28135719 (cited by Ambry Genetics); PubMed 33644933 (cited by Ambry Genetics); PubMed 35716097 (cited by Ambry Genetics).

NM_001371928.1(AHDC1):c.2188G>T (p.Glu730Ter)

Gene: AHDC1 (AT-hook DNA binding motif containing 1; minus strand). Cytogenetic location: 1p36.11.
Variant type: single nucleotide variant.
Coding change: c.2188G>T on transcript NM_001371928.1 (MANE Select); coding-DNA position 2188, G replaced by T.
Protein change: p.Glu730Ter; replaces glutamic acid 730 with a stop codon.
Molecular consequence: nonsense.
Genome position (GRCh38, 1-based): chr1:27,549,928, C>A on the plus strand (G>T on the coding strand, the complement: AHDC1 is on the minus strand). VCF-style: chr1-27549928-C-A. GRCh37 (hg19) VCF-style: chr1-27876439-C-A.
Other names: c.2188G>T (NM_001029882.2); c.2188G>T, p.Glu730Ter (NM_001029882.3); short protein forms E730*.
Identifiers: ClinVar variation 982055 (VCV000982055.8), dbSNP rs2019433712, ClinGen allele CA339232519.